The following is an entry in ClinVar:

ClinVar aggregate classification (germline): Uncertain significance (1 of 4 stars; one submission).

Allele frequency attached by ClinVar (database versions not stated): TOPMed 0.00001.

Submission:

Labcorp Genetics (formerly Invitae), Labcorp
Classification: Uncertain significance. Last evaluated: 2025-11-11. Review status: criteria provided, single submitter. Criteria: Invitae Variant Classification Sherloc (09022015). Collection method: clinical testing. Allele origin: germline.
Comment: This sequence change falls in intron 3 of the GUCA1B gene. It does not directly change the encoded amino acid sequence of the GUCA1B protein. It affects a nucleotide within the consensus splice site. This variant is not present in population databases (gnomAD no frequency). This variant has not been reported in the literature in individuals affected with GUCA1B-related conditions. ClinVar contains an entry for this variant (Variation ID: 842345). Variants that disrupt the consensus splice site are a relatively common cause of aberrant splicing (PMID: 17576681, 9536098). Algorithms developed to predict the effect of sequence changes on RNA splicing suggest that this variant may disrupt the consensus splice site. In summary, the available evidence is currently insufficient to determine the role of this variant in disease. Therefore, it has been classified as a Variant of Uncertain Significance.

Literature cited by the submitters: PubMed 17576681; PubMed 9536098.

NM_002098.6(GUCA1B):c.476-3C>G

Gene: GUCA1B (guanylate cyclase activator 1B; minus strand). Cytogenetic location: 6p21.1.
Variant type: single nucleotide variant.
Coding change: c.476-3C>G on transcript NM_002098.6 (MANE Select); 3 bases into the intron before coding-DNA position 476, C replaced by G.
Molecular consequence: intron variant.
Genome position (GRCh38, 1-based): chr6:42,184,945, G>C on the plus strand (C>G on the coding strand, the complement: GUCA1B is on the minus strand). VCF-style: chr6-42184945-G-C. GRCh37 (hg19) VCF-style: chr6-42152683-G-C.
Identifiers: ClinVar variation 842345 (VCV000842345.10), dbSNP rs200457582, ClinGen allele CA138139923.